The following is an entry in ClinVar:

NC_000005.9:g.140059894_140070834del

Gene: HARS1 (histidyl-tRNA synthetase 1; minus strand).
Variant type: Deletion.
Identifiers: ClinVar variation 851773 (VCV000851773.1).

ClinVar aggregate classification (germline): Uncertain significance (1 of 4 stars; one submission).

Conditions:
Usher syndrome type 3B. Also called: USHER SYNDROME, TYPE IIIB. Identifiers: MedGen C3281066, MONDO:0013788, OMIM 614504.

Submission:

Labcorp Genetics (formerly Invitae), Labcorp
Classification: Uncertain significance for Usher syndrome, type 3B. Last evaluated: 2019-11-25. Review status: criteria provided, single submitter. Criteria: Invitae Variant Classification Sherloc (09022015). Collection method: clinical testing. Allele origin: germline.
Comment: This variant results in the deletion of exons 2-3 and part of exon 1 (c.56_301-426del) of the HARS gene. It is expected to disrupt RNA splicing and likely results in an absent or disrupted protein product. This variant has not been reported in the literature in individuals with HARS-related conditions. The current clinical and genetic evidence is not sufficient to establish whether loss-of-function variants in HARS cause disease. In summary, the available evidence is currently insufficient to determine the role of this variant in disease. Therefore, it has been classified as a Variant of Uncertain Significance.